The following is an entry in ClinVar:

NM_031220.4(PITPNM3):c.*561C>G

Gene: PITPNM3 (PITPNM family member 3; minus strand). Cytogenetic location: 17p13.2.
Variant type: single nucleotide variant.
Coding change: c.*561C>G on transcript NM_031220.4 (MANE Select); 561 bases downstream of the stop codon, C replaced by G.
Molecular consequence: 3 prime UTR variant.
Genome position (GRCh38, 1-based): chr17:6,454,777, G>C on the plus strand (C>G on the coding strand, the complement: PITPNM3 is on the minus strand). VCF-style: chr17-6454777-G-C. GRCh37 (hg19) VCF-style: chr17-6358097-G-C.
Other names: c.*561C>G (NM_001165966.2).
Identifiers: ClinVar variation 324734 (VCV000324734.5), dbSNP rs186452214, ClinGen allele CA10640311.

ClinVar aggregate classification (germline): Benign (1 of 4 stars; one submission).

Conditions:
Cone-rod dystrophy 5 (CORD5). Identifiers: Orphanet 1872, MedGen C1832976, MONDO:0010969, OMIM 600977.

Allele frequency attached by ClinVar (database versions not stated): gnomAD 0.00190 and 0.00205; 1000 Genomes Project 0.00200; TOPMed 0.00209; 1000 Genomes Project 30x 0.00250.

Submission:

Illumina Laboratory Services, Illumina
Classification: Benign for Cone-rod dystrophy 5. Last evaluated: 2018-01-13. Review status: criteria provided, single submitter. Criteria: ICSL Variant Classification Criteria 13 December 2019. Collection method: clinical testing. Allele origin: germline.
Comment: This variant was observed in the ICSL laboratory as part of a predisposition screen in an ostensibly healthy population. It had not been previously curated by ICSL or reported in the Human Gene Mutation Database (HGMD: prior to June 1st, 2018), and was therefore a candidate for classification through an automated scoring system. Utilizing variant allele frequency, disease prevalence and penetrance estimates, and inheritance mode, an automated score was calculated to assess if this variant is too frequent to cause the disease. Based on the score and internal cut-off values, a variant classified as benign is not then subjected to further curation. The score for this variant resulted in a classification of benign for this disease.